The following is an entry in ClinVar:

ClinVar aggregate classification (germline): Conflicting classifications of pathogenicity. Review status: criteria provided, conflicting classifications (1 of 4 stars). 3 submissions from 3 submitters: Uncertain significance (1); Benign (1); Likely benign (1). Last evaluated 2026-08-06.

Conditions:
Congenital stationary night blindness 1B. Also called: Night blindness, congenital stationary (complete), 1B, autosomal recessive; NIGHT BLINDNESS, CONGENITAL STATIONARY, COMPLETE, AUTOSOMAL RECESSIVE. Identifiers: Orphanet 215, MedGen C1850362, MONDO:0009758, OMIM 257270.

Allele frequency attached by ClinVar (database versions not stated): ESP Exome Variant Server 0.00015; gnomAD 0.00035 and 0.00039; gnomAD exomes 0.00045; ExAC 0.00047; TOPMed 0.00050; 1000 Genomes Project 30x 0.00078; 1000 Genomes Project 0.00080.
gnomAD v4.1: 653 of 1,607,604 alleles (0.041%); highest among the groups gnomAD compares: Middle Eastern, 0.099%; 2 homozygotes.

Submissions (3):

OLLIN Analises Genomicas, OLLIN
Classification: Uncertain significance for Congenital stationary night blindness 1B. Last evaluated: 2026-08-06. Review status: criteria provided, single submitter. Criteria: ACMG Guidelines 2015 PMID 25741868. Collection method: clinical testing. Allele origin: germline.
Comment: This missense variant, located in exon 9 (of 11), has been reported in ClinVar (accession VCV000716885.11) and in gnomAD with an allele frequency of 0.0406%. However, to our knowledge, it has not been reported in the scientific literature. In silico analysis predicts that this variant has a deleterious effect. According to the currently available evidence, this variant has been classified as uncertain significance (PP3_M, BS1).

Labcorp Genetics (formerly Invitae), Labcorp
Classification: Benign. Last evaluated: 2026-01-12. Review status: criteria provided, single submitter. Criteria: Invitae Variant Classification Sherloc (09022015). Collection method: clinical testing. Allele origin: germline.

Blueprint Genetics
Classification: Likely benign. Last evaluated: 2024-07-12. Review status: criteria provided, single submitter. Criteria: ACMG Guidelines, 2015. Collection method: clinical testing. Allele origin: germline.

NM_000843.4(GRM6):c.1706C>T (p.Thr569Met)

Genes: GRM6 (glutamate metabotropic receptor 6; minus strand), ZNF454 (zinc finger protein 454; plus strand). Cytogenetic location: 5q35.3.
Variant type: single nucleotide variant.
Coding change: c.1706C>T on transcript NM_000843.4 (MANE Select); coding-DNA position 1706, C replaced by T.
Protein change: p.Thr569Met; replaces threonine 569 with methionine.
Molecular consequence: missense variant.
Genome position (GRCh38, 1-based): chr5:178,986,548, G>A on the plus strand (C>T on the coding strand, the complement: GRM6 is on the minus strand). VCF-style: chr5-178986548-G-A. GRCh37 (hg19) VCF-style: chr5-178413549-G-A.
Other names: short protein forms T569M.
Identifiers: ClinVar variation 716885 (VCV000716885.13), dbSNP rs142931622, ClinGen allele CA3593955.